The following is an entry in ClinVar:

ClinVar aggregate classification (germline): Likely pathogenic (1 of 4 stars; one submission).

Conditions:
Glycine encephalopathy. Also called: Non-ketotic hyperglycinemia; Nonketotic hyperglycinemia. Identifiers: Orphanet 407, MedGen C0751748, MONDO:0011612, HP:0008288.

Allele frequency attached by ClinVar (database versions not stated): TOPMed below 0.00001.

Submission:

Labcorp Genetics (formerly Invitae), Labcorp
Classification: Likely pathogenic for Glycine encephalopathy. Last evaluated: 2021-07-06. Review status: criteria provided, single submitter. Criteria: Invitae Variant Classification Sherloc (09022015). Collection method: clinical testing. Allele origin: germline.
Comment: This variant is not present in population databases (ExAC no frequency). This variant has been observed in individual(s) with nonketotic hyperglycinemia (PMID: 27362913). In at least one individual the data is consistent with the variant being in trans (on the opposite chromosome) from a pathogenic variant. Nucleotide substitutions within the consensus splice site are a relatively common cause of aberrant splicing (PMID: 17576681, 9536098). Algorithms developed to predict the effect of sequence changes on RNA splicing suggest that this variant may disrupt the consensus splice site. In summary, the currently available evidence indicates that the variant is pathogenic, but additional data are needed to prove that conclusively. Therefore, this variant has been classified as Likely Pathogenic. This sequence change falls in intron 1 of the GLDC gene. It does not directly change the encoded amino acid sequence of the GLDC protein. It affects a nucleotide within the consensus splice site of the intron.

Literature cited by the submitters: PubMed 27362913; PubMed 17576681; PubMed 9536098.

NM_000170.3(GLDC):c.255+3A>T

Gene: GLDC (glycine decarboxylase; minus strand). Cytogenetic location: 9p24.1.
Variant type: single nucleotide variant.
Coding change: c.255+3A>T on transcript NM_000170.3 (MANE Select); 3 bases into the intron after coding-DNA position 255, A replaced by T.
Molecular consequence: intron variant.
Genome position (GRCh38, 1-based): chr9:6,645,242, T>A on the plus strand (A>T on the coding strand, the complement: GLDC is on the minus strand). VCF-style: chr9-6645242-T-A. GRCh37 (hg19) VCF-style: chr9-6645242-T-A.
Identifiers: ClinVar variation 1494991 (VCV001494991.6), dbSNP rs1417674040, ClinGen allele CA1830570961.